The following is an entry in ClinVar:

ClinVar aggregate classification (germline): Pathogenic (1 of 4 stars; one submission).

Conditions:
Polyhydramnios, megalencephaly, and symptomatic epilepsy (PMSE). Also called: PMSE SYNDROME. Identifiers: Orphanet 500533, MedGen C1970203, MONDO:0012611, OMIM 611087.

Allele frequency attached by ClinVar (database versions not stated): gnomAD exomes below 0.00001; TOPMed below 0.00001; gnomAD 0.00001.
gnomAD v4.1: 4 of 1,614,136 alleles (0.00025%); highest among the groups gnomAD compares: East Asian, 0.0022%; no homozygotes.

Submission:

Labcorp Genetics (formerly Invitae), Labcorp
Classification: Pathogenic for Polyhydramnios, megalencephaly, and symptomatic epilepsy. Last evaluated: 2023-04-28. Review status: criteria provided, single submitter. Criteria: Invitae Variant Classification Sherloc (09022015). Collection method: clinical testing. Allele origin: germline.
Comment: This variant has not been reported in the literature in individuals affected with STRADA-related conditions. For these reasons, this variant has been classified as Pathogenic. Algorithms developed to predict the effect of sequence changes on RNA splicing suggest that this variant may disrupt the consensus splice site. This variant is present in population databases (no rsID available, gnomAD 0.0009%). This sequence change creates a premature translational stop signal (p.Gln251*) in the STRADA gene. It is expected to result in an absent or disrupted protein product. Loss-of-function variants in STRADA are known to be pathogenic (PMID: 17522105, 27170158).

Literature cited by the submitters: PubMed 17522105; PubMed 27170158.

NM_001003787.4(STRADA):c.751C>T (p.Gln251Ter)

Gene: STRADA (STE20 related adaptor alpha; minus strand). Cytogenetic location: 17q23.3.
Variant type: single nucleotide variant.
Coding change: c.751C>T on transcript NM_001003787.4 (MANE Select); coding-DNA position 751, C replaced by T.
Protein change: p.Gln251Ter; replaces glutamine 251 with a stop codon.
Molecular consequence: nonsense. On other transcripts: intron variant (1).
Genome position (GRCh38, 1-based): chr17:63,707,249, G>A on the plus strand (C>T on the coding strand, the complement: STRADA is on the minus strand). VCF-style: chr17-63707249-G-A. GRCh37 (hg19) VCF-style: chr17-61784609-G-A.
Other names: c.640C>T, p.Gln214Ter (NM_001003786.3, NM_001363789.1, NM_153335.6); c.577C>T, p.Gln193Ter (NM_001003788.3, NM_001363790.1, NM_001363791.1); c.664C>T, p.Gln222Ter (NM_001165969.2, NM_001363787.1, NM_001411084.1); c.619C>T, p.Gln207Ter (NM_001165970.2); c.727C>T, p.Gln243Ter (NM_001363786.1); c.751C>T, p.Gln251Ter (NM_001363788.1, NM_001411083.1); c.582-510C>T (NM_001411085.1); short protein forms Q222*, Q207*, Q193*, Q214*, Q243*, Q251*.
Identifiers: ClinVar variation 2790856 (VCV002790856.3), dbSNP rs1268277078, ClinGen allele CA400591194.